The following is an entry in ClinVar:

ClinVar aggregate classification (germline): Uncertain significance. Review status: criteria provided, multiple submitters, no conflicts (2 of 4 stars). 2 submissions from 2 submitters: Uncertain significance (2). Last evaluated 2024-03-29.

Conditions:
Myasthenic syndrome, congenital, 22 (CMS22). Also called: PREPL DEFICIENCY. Identifiers: MedGen C4479088, MONDO:0044299, OMIM 616224.
Inborn genetic diseases. Identifiers: MedGen C0950123, MeSH D030342.

Allele frequency attached by ClinVar (database versions not stated): ExAC 0.00002; gnomAD exomes 0.00005 and 0.00020; gnomAD 0.00006; TOPMed 0.00006; ESP Exome Variant Server 0.00008.
gnomAD v4.1: 296 of 1,603,998 alleles (0.018%); highest among the groups gnomAD compares: Non-Finnish European, 0.024%; no homozygotes.

Submissions (2):

Ambry Genetics
Classification: Uncertain significance for Inborn genetic diseases. Last evaluated: 2024-03-29. Review status: criteria provided, single submitter. Criteria: Ambry Variant Classification Scheme 2023. Collection method: clinical testing. Allele origin: germline.

Labcorp Genetics (formerly Invitae), Labcorp
Classification: Uncertain significance for Myasthenic syndrome, congenital, 22. Last evaluated: 2022-10-17. Review status: criteria provided, single submitter. Criteria: Invitae Variant Classification Sherloc (09022015). Collection method: clinical testing. Allele origin: germline.
Comment: This sequence change replaces methionine, which is neutral and non-polar, with leucine, which is neutral and non-polar, at codon 593 of the PREPL protein (p.Met593Leu). This variant is present in population databases (rs369887158, gnomAD 0.01%). This variant has not been reported in the literature in individuals affected with PREPL-related conditions. ClinVar contains an entry for this variant (Variation ID: 478310). Algorithms developed to predict the effect of missense changes on protein structure and function output the following: SIFT: "Tolerated"; PolyPhen-2: "Benign"; Align-GVGD: "Class C0". The leucine amino acid residue is found in multiple mammalian species, which suggests that this missense change does not adversely affect protein function. In summary, the available evidence is currently insufficient to determine the role of this variant in disease. Therefore, it has been classified as a Variant of Uncertain Significance.

NM_001171613.2(PREPL):c.1510A>T (p.Met504Leu)

Gene: PREPL (prolyl endopeptidase like; minus strand). Cytogenetic location: 2p21.
Variant type: single nucleotide variant.
Coding change: c.1510A>T on transcript NM_001171613.2 (MANE Select); coding-DNA position 1510, A replaced by T.
Protein change: p.Met504Leu; replaces methionine 504 with leucine.
Molecular consequence: missense variant.
Genome position (GRCh38, 1-based): chr2:44,323,381, T>A on the plus strand (A>T on the coding strand, the complement: PREPL is on the minus strand). VCF-style: chr2-44323381-T-A. GRCh37 (hg19) VCF-style: chr2-44550520-T-A.
Other names: c.1777A>T, p.Met593Leu (NM_001171606.2, NM_001374275.1, NM_001374276.1 and 2 more transcripts); c.1510A>T, p.Met504Leu (NM_001171617.1, NM_001374277.1); c.1591A>T, p.Met531Leu (NM_001042385.2); c.1579A>T, p.Met527Leu (NM_001042386.2); short protein forms M593L, M527L, M504L, M531L.
Identifiers: ClinVar variation 478310 (VCV000478310.9), dbSNP rs369887158, ClinGen allele CA1641063.
Genomic context (GRCh38, chr2:44,323,381, plus strand): 5'-CAGATGAAGGATTCCCCCATTCTTCTAATTCTTCTAATGTCAGAGGAAGTGTAGTGTCCA[T>A]CATGGTGTTGAGAACATCCAAGAAAGGTGCCTAAAAAAAAGGCAAAGAAACTTATACTTC-3'
Protein context (NP_001165084.1, residues 494-514): APFLDVLNTM[Met504Leu]DTTLPLTLEE